The following is an entry in ClinVar:

NM_017617.5(NOTCH1):c.124G>A (p.Gly42Ser)

Gene: NOTCH1 (notch receptor 1; minus strand). Cytogenetic location: 9q34.3.
Variant type: single nucleotide variant.
Coding change: c.124G>A on transcript NM_017617.5 (MANE Select); coding-DNA position 124, G replaced by A.
Protein change: p.Gly42Ser; replaces glycine 42 with serine.
Molecular consequence: missense variant.
Genome position (GRCh38, 1-based): chr9:136,544,040, C>T on the plus strand (G>A on the coding strand, the complement: NOTCH1 is on the minus strand). VCF-style: chr9-136544040-C-T. GRCh37 (hg19) VCF-style: chr9-139438492-C-T.
Other names: short protein forms G42S.
Identifiers: ClinVar variation 4086359 (VCV004086359.1).

ClinVar aggregate classification (germline): Uncertain significance (1 of 4 stars; one submission).

gnomAD v4.1: 1 of 1,574,694 alleles (0.000064%); highest among the groups gnomAD compares: Non-Finnish European, 0.000086%; no homozygotes.

Submission:

GeneDx
Classification: Uncertain significance. Last evaluated: 2025-03-18. Review status: criteria provided, single submitter. Criteria: GeneDx Variant Classification Process June 2021. Collection method: clinical testing. Allele origin: germline. Affected: yes.
Comment: Not observed at significant frequency in large population cohorts (gnomAD); In silico analysis indicates that this missense variant does not alter protein structure/function; Has not been previously published as pathogenic or benign to our knowledge